The following is an entry in ClinVar:

ClinVar aggregate classification (germline): Uncertain significance. Review status: criteria provided, multiple submitters, no conflicts (2 of 4 stars). 2 submissions from 2 submitters: Uncertain significance (2). Last evaluated 2025-04-15.

Conditions:
Inborn genetic diseases. Identifiers: MedGen C0950123, MeSH D030342.

gnomAD v4.1: 5 of 1,610,022 alleles (0.00031%); highest among the groups gnomAD compares: African/African-American, 0.0013%; no homozygotes.

Submissions (2):

Ambry Genetics
Classification: Uncertain significance for Inborn genetic diseases. Last evaluated: 2025-04-15. Review status: criteria provided, single submitter. Criteria: Ambry Variant Classification Scheme 2023. Collection method: clinical testing. Allele origin: germline.

Labcorp Genetics (formerly Invitae), Labcorp
Classification: Uncertain significance. Last evaluated: 2022-04-11. Review status: criteria provided, single submitter. Criteria: Invitae Variant Classification Sherloc (09022015). Collection method: clinical testing. Allele origin: germline.
Comment: This sequence change replaces tyrosine, which is neutral and polar, with histidine, which is basic and polar, at codon 278 of the DBR1 protein (p.Tyr278His). This variant is present in population databases (no rsID available, gnomAD 0.007%). This variant has not been reported in the literature in individuals affected with DBR1-related conditions. Algorithms developed to predict the effect of missense changes on protein structure and function output the following: SIFT: "Tolerated"; PolyPhen-2: "Benign"; Align-GVGD: "Class C0". The histidine amino acid residue is found in multiple mammalian species, which suggests that this missense change does not adversely affect protein function. In summary, the available evidence is currently insufficient to determine the role of this variant in disease. Therefore, it has been classified as a Variant of Uncertain Significance.

NM_016216.4(DBR1):c.832T>C (p.Tyr278His)

Gene: DBR1 (debranching RNA lariats 1; minus strand). Cytogenetic location: 3q22.3.
Variant type: single nucleotide variant.
Coding change: c.832T>C on transcript NM_016216.4 (MANE Select); coding-DNA position 832, T replaced by C.
Protein change: p.Tyr278His; replaces tyrosine 278 with histidine.
Molecular consequence: missense variant.
Genome position (GRCh38, 1-based): chr3:138,163,458, A>G on the plus strand (T>C on the coding strand, the complement: DBR1 is on the minus strand). VCF-style: chr3-138163458-A-G. GRCh37 (hg19) VCF-style: chr3-137882300-A-G.
Other names: c.832T>C (NM_016216.3); short protein forms Y278H.
Identifiers: ClinVar variation 2145599 (VCV002145599.2), dbSNP rs1292701478, ClinGen allele CA354673702.